The following is an entry in ClinVar:

ClinVar aggregate classification (germline): Conflicting classifications of pathogenicity. Review status: criteria provided, conflicting classifications (1 of 4 stars). 2 submissions from 2 submitters: Uncertain significance (1); Likely benign (1). Last evaluated 2025-04-17.

Allele frequency attached by ClinVar (database versions not stated): gnomAD exomes 0.00005; ExAC 0.00021; gnomAD 0.00044; TOPMed 0.00066; ESP Exome Variant Server 0.00069; 1000 Genomes Project 30x 0.00094; 1000 Genomes Project 0.00100.

Submissions (2):

Labcorp Genetics (formerly Invitae), Labcorp
Classification: Uncertain significance. Last evaluated: 2025-04-17. Review status: criteria provided, single submitter. Criteria: Invitae Variant Classification Sherloc (09022015). Collection method: clinical testing. Allele origin: germline.
Comment: This sequence change replaces glutamic acid, which is acidic and polar, with lysine, which is basic and polar, at codon 262 of the YME1L1 protein (p.Glu262Lys). This variant is present in population databases (rs138380879, gnomAD 0.2%), and has an allele count higher than expected for a pathogenic variant. This variant has not been reported in the literature in individuals affected with YME1L1-related conditions. ClinVar contains an entry for this variant (Variation ID: 2083643). An algorithm developed to predict the effect of missense changes on protein structure and function (PolyPhen-2) suggests that this variant is likely to be disruptive. In summary, the available evidence is currently insufficient to determine the role of this variant in disease. Therefore, it has been classified as a Variant of Uncertain Significance.

Blueprint Genetics
Classification: Likely benign. Last evaluated: 2024-09-24. Review status: criteria provided, single submitter. Criteria: ACMG Guidelines, 2015. Collection method: clinical testing. Allele origin: germline.

NM_014263.4(YME1L1):c.613G>A (p.Glu205Lys)

Gene: YME1L1 (YME1 like 1 ATPase; minus strand). Cytogenetic location: 10p12.1.
Variant type: single nucleotide variant.
Coding change: c.613G>A on transcript NM_014263.4 (MANE Select); coding-DNA position 613, G replaced by A.
Protein change: p.Glu205Lys; replaces glutamic acid 205 with lysine.
Molecular consequence: missense variant.
Genome position (GRCh38, 1-based): chr10:27,134,909, C>T on the plus strand (G>A on the coding strand, the complement: YME1L1 is on the minus strand). VCF-style: chr10-27134909-C-T. GRCh37 (hg19) VCF-style: chr10-27423838-C-T.
Other names: c.514G>A, p.Glu172Lys (NM_001253866.2); c.784G>A, p.Glu262Lys (NM_139312.3); short protein forms E262K, E172K, E205K.
Identifiers: ClinVar variation 2083643 (VCV002083643.5), dbSNP rs138380879, ClinGen allele CA5449542.